The following is an entry in ClinVar:

ClinVar aggregate classification (germline): Uncertain significance (1 of 4 stars; one submission).

Conditions:
Inborn genetic diseases. Identifiers: MedGen C0950123, MeSH D030342.

Submission:

Ambry Genetics
Classification: Uncertain significance for Inborn genetic diseases. Last evaluated: 2025-04-01. Review status: criteria provided, single submitter. Criteria: Ambry Variant Classification Scheme 2023. Collection method: clinical testing. Allele origin: germline.
Comment: The p.S844R variant (also known as c.2532T>G), located in coding exon 1 of the SAMD9 gene, results from a T to G substitution at nucleotide position 2532. The serine at codon 844 is replaced by arginine, an amino acid with dissimilar properties. This amino acid position is conserved. In addition, this alteration is predicted to be tolerated by in silico analysis. Based on the available evidence, the clinical significance of this variant remains unclear.

NM_017654.4(SAMD9):c.2532T>G (p.Ser844Arg)

Gene: SAMD9 (sterile alpha motif domain containing 9; minus strand). Cytogenetic location: 7q21.2.
Variant type: single nucleotide variant.
Coding change: c.2532T>G on transcript NM_017654.4 (MANE Select); coding-DNA position 2532, T replaced by G.
Protein change: p.Ser844Arg; replaces serine 844 with arginine.
Molecular consequence: missense variant.
Genome position (GRCh38, 1-based): chr7:93,103,566, A>C on the plus strand (T>G on the coding strand, the complement: SAMD9 is on the minus strand). VCF-style: chr7-93103566-A-C. GRCh37 (hg19) VCF-style: chr7-92732879-A-C.
Other names: c.2532T>G, p.Ser844Arg (NM_001193307.2); short protein forms S844R.
Identifiers: ClinVar variation 3949501 (VCV003949501.1).